The following is an entry in ClinVar:

ClinVar aggregate classification (germline): Pathogenic (1 of 4 stars; one submission).

Conditions:
Deficiency of galactokinase. Also called: GALACTOSEMIA II; Galactokinase deficiency with cataracts. Identifiers: Orphanet 352, Orphanet 79237, MedGen C0268155, MONDO:0009255, OMIM 230200.

Submission:

Myriad Genetics, Inc.
Classification: Pathogenic for Deficiency of galactokinase. Last evaluated: 2025-06-17. Review status: criteria provided, single submitter. Criteria: Myriad Autosomal Dominant, Autosomal Recessive and X-Linked Classification Criteria (2023). Collection method: clinical testing. Allele origin: unknown.
Comment: NM_000154.1(GALK1):c.583_586delAAAG(K195Afs*68) is expected to be pathogenic in the context of galactokinase deficiency. This variant is predicted to lead to an abnormal or absent protein product due to the creation of a premature termination codon in GALK1, a gene where loss-of-function variants are known to be pathogenic. Please note: this variant was assessed in the context of healthy population screening.

NM_000154.2(GALK1):c.583_586del (p.Lys195fs)

Gene: GALK1 (galactokinase 1; minus strand). Cytogenetic location: 17q25.1.
Variant type: Deletion.
Coding change: c.583_586del on transcript NM_000154.2 (MANE Select); coding-DNA positions 583 to 586, 4 bases deleted (AAAG; older notation c.583_586delAAAG).
Protein change: p.Lys195fs; shifts the reading frame from lysine 195.
Molecular consequence: frameshift variant.
Genome position (GRCh38, 1-based): chr17:75,763,039-75,763,042, CTTT deleted on the plus strand (AAAG on the coding strand, the reverse complement: GALK1 is on the minus strand); deleting any 4 consecutive bases within chr17:75,763,039-75,763,044 gives the same sequence; the c. name uses the placement nearest the transcript's 3' end. VCF-style (leftmost placement, unchanged base first): chr17-75763038-CCTTT-C. GRCh37 (hg19) VCF-style: chr17-73759119-CCTTT-C.
Other names: c.583_586del, p.Lys195fs (NM_001381985.1); short protein forms K195fs.
Identifiers: ClinVar variation 5014608 (VCV005014608.1).